The following is an entry in ClinVar:

ClinVar aggregate classification (germline): Uncertain significance (1 of 4 stars; one submission).

Conditions:
Spinocerebellar ataxia, autosomal recessive, with axonal neuropathy 2 (SCAN2). Also called: ATAXIA-OCULOMOTOR APRAXIA 2; Ataxia with Oculomotor Apraxia; Ataxia-ocular apraxia-2; Ataxia with Oculomotor Apraxia Type 2. Identifiers: Orphanet 64753, MedGen C1853761, MONDO:0018996, OMIM 606002.
Amyotrophic lateral sclerosis type 4 (ALS4). Also called: AMYOTROPHIC LATERAL SCLEROSIS 4, JUVENILE; NEURONOPATHY, DISTAL HEREDITARY MOTOR, WITH PYRAMIDAL FEATURES. Identifiers: Orphanet 357043, MedGen C1865409, MONDO:0011223, OMIM 602433.

Allele frequency attached by ClinVar (database versions not stated): TOPMed below 0.00001.
gnomAD v4.1: 1 of 1,614,232 alleles (0.000062%); no homozygotes.

Submission:

Labcorp Genetics (formerly Invitae), Labcorp
Classification: Uncertain significance for Amyotrophic lateral sclerosis type 4; Spinocerebellar ataxia, autosomal recessive, with axonal neuropathy 2. Last evaluated: 2017-07-19. Review status: criteria provided, single submitter. Criteria: Invitae Variant Classification Sherloc (09022015). Collection method: clinical testing. Allele origin: germline.
Comment: In summary, the available evidence is currently insufficient to determine the role of this variant in disease. Therefore, it has been classified as a Variant of Uncertain Significance. Algorithms developed to predict the effect of missense changes on protein structure and function output the following: SIFT: "Tolerated"; PolyPhen-2: "Benign"; Align-GVGD: "Class C0". The valine amino acid residue is found in multiple mammalian species, suggesting that this missense change does not adversely affect protein function. These predictions have not been confirmed by published functional studies and their clinical significance is uncertain. This variant has not been reported in the literature in individuals with SETX-related disease. This variant is not present in population databases (ExAC no frequency). This sequence change replaces aspartic acid with valine at codon 1534 of the SETX protein (p.Asp1534Val). The aspartic acid residue is moderately conserved and there is a large physicochemical difference between aspartic acid and valine.

NM_015046.7(SETX):c.4601A>T (p.Asp1534Val)

Gene: SETX (senataxin; minus strand). Cytogenetic location: 9q34.13.
Variant type: single nucleotide variant.
Coding change: c.4601A>T on transcript NM_015046.7 (MANE Select); coding-DNA position 4601, A replaced by T.
Protein change: p.Asp1534Val; replaces aspartic acid 1534 with valine.
Molecular consequence: missense variant.
Genome position (GRCh38, 1-based): chr9:132,326,997, T>A on the plus strand (A>T on the coding strand, the complement: SETX is on the minus strand). VCF-style: chr9-132326997-T-A. GRCh37 (hg19) VCF-style: chr9-135202384-T-A.
Other names: c.4601A>T, p.Asp1534Val (NM_001351527.2, NM_001351528.2); short protein forms D1534V.
Identifiers: ClinVar variation 468510 (VCV000468510.9), dbSNP rs1554820219, ClinGen allele CA375325572.